The following is an entry in ClinVar:

NM_001040142.2(SCN2A):c.4791T>A (p.Phe1597Leu)

Gene: SCN2A (sodium voltage-gated channel alpha subunit 2; plus strand). Cytogenetic location: 2q24.3.
Variant type: single nucleotide variant.
Coding change: c.4791T>A on transcript NM_001040142.2 (MANE Select); coding-DNA position 4791, T replaced by A.
Protein change: p.Phe1597Leu; replaces phenylalanine 1597 with leucine.
Molecular consequence: missense variant.
Genome position (GRCh38, 1-based): chr2:165,386,985, T>A. VCF-style: chr2-165386985-T-A. GRCh37 (hg19) VCF-style: chr2-166243495-T-A.
Other names: c.4791T>A, p.Phe1597Leu (NM_001040143.2, NM_001371246.1, NM_001371247.1 and 1 more transcripts); short protein forms F1597L.
Identifiers: ClinVar variation 1727246 (VCV001727246.2), dbSNP rs2468150168, ClinGen allele CA349036873.

Conditions:
Complex neurodevelopmental disorder. Identifiers: Orphanet 528084, MedGen C5568766, MONDO:0100038.

Submission:

Channelopathy-Associated Epilepsy Research Center
No classification provided (evidence only). Condition: Complex neurodevelopmental disorder. Review status: no classification provided. Collection method: literature only. Allele origin: not applicable. Functional consequence: Increase in slope of fast inactivation, Acceleration of recovery from fast inactivation, Moderate slowing of fast inactivation, Normal voltage dependence of fast inactivation, Normal voltage dependence of activation, Normal slope of activation, Normal peak current, Normal persistent current, Overall gain-of-function.
ClinVar note: "not provided" was previously submitted as the classification for the variant. However, the classification appeared to be based only on an observation of functional data so it was converted to no classification on 2025-07-30.

Literature cited by the submitters: PubMed 28379373.